The following is an entry in ClinVar:

NC_000015.9:g.(?_26792940)_(27018109_?)del

Gene: GABRB3 (gamma-aminobutyric acid type A receptor subunit beta3; minus strand). Cytogenetic location: 15q12.
Variant type: Deletion.
Identifiers: ClinVar variation 3243811 (VCV003243811.1).

ClinVar aggregate classification (germline): Pathogenic (1 of 4 stars; one submission).

Conditions:
Epilepsy, childhood absence, susceptibility to, 1. Also called: Epilepsy, childhood absence 1. Identifiers: Orphanet 64280, MedGen C1838604, MONDO:0020759, OMIM 600131.
Epilepsy, childhood absence, susceptibility to, 5. Identifiers: Orphanet 64280, MedGen C2677087, MONDO:0012843, OMIM 612269.

Submission:

Labcorp Genetics (formerly Invitae), Labcorp
Classification: Pathogenic for Epilepsy, childhood absence, susceptibility to, 5; Epilepsy, childhood absence, susceptibility to, 1. Last evaluated: 2024-01-27. Review status: criteria provided, single submitter. Criteria: Invitae Variant Classification Sherloc (09022015). Collection method: clinical testing. Allele origin: unknown.
Comment: A gross deletion of the genomic region encompassing the full coding sequence of the GABRB3 gene has been identified. Loss-of-function variants in GABRB3 are known to be pathogenic (PMID: 26950270, 28053010). The boundaries of this event are unknown as they extend beyond the assayed region for this gene and therefore may encompass additional genes. Isolated whole-gene deletions of GABRB3 have not been reported in the literature. However, larger copy number events that include this gene have been reported (PMID: 11198279). For these reasons, this variant has been classified as Pathogenic.

Literature cited by the submitters: PubMed 26950270; PubMed 28053010; PubMed 11198279.